The following is an entry in ClinVar:

ClinVar aggregate classification (germline): Uncertain significance (1 of 4 stars; one submission).

Conditions:
Hereditary cancer-predisposing syndrome. Also called: Neoplastic Syndromes, Hereditary; Tumor predisposition; Hereditary Cancer Syndrome; Hereditary neoplastic syndrome. Identifiers: Orphanet 140162, MedGen C0027672, MeSH D009386, MONDO:0015356.

Submission:

Ambry Genetics
Classification: Uncertain significance for Hereditary cancer-predisposing syndrome. Last evaluated: 2025-07-28. Review status: criteria provided, single submitter. Criteria: Ambry Variant Classification Scheme 2023. Collection method: clinical testing. Allele origin: germline.
Comment: The p.F453L variant (also known as c.1359C>A), located in coding exon 12 of the TSC2 gene, results from a C to A substitution at nucleotide position 1359. The phenylalanine at codon 453 is replaced by leucine, an amino acid with highly similar properties. This amino acid position is conserved. In addition, this alteration is predicted to be deleterious by in silico analysis. Based on the available evidence, the clinical significance of this variant remains unclear.

NM_000548.5(TSC2):c.1359C>A (p.Phe453Leu)

Gene: TSC2 (TSC complex subunit 2; plus strand). Cytogenetic location: 16p13.3.
Variant type: single nucleotide variant.
Coding change: c.1359C>A on transcript NM_000548.5 (MANE Select); coding-DNA position 1359, C replaced by A.
Protein change: p.Phe453Leu; replaces phenylalanine 453 with leucine.
Molecular consequence: missense variant. On other transcripts: 5 prime UTR variant (1), non-coding transcript variant (5).
Genome position (GRCh38, 1-based): chr16:2,062,598, C>A. VCF-style: chr16-2062598-C-A. GRCh37 (hg19) VCF-style: chr16-2112599-C-A.
Other names: c.1392C>A, p.Phe464Leu (NM_001318832.2); c.1359C>A, p.Phe453Leu (NM_001363528.2, NM_001370404.1, NM_001370405.1 and 6 more transcripts); c.1449C>A, p.Phe483Leu (NM_001406667.1, NM_001406668.1); c.1248C>A, p.Phe416Leu (NM_001406670.1, NM_001318827.2, NM_001406678.1); c.759C>A, p.Phe253Leu (NM_001406682.1, NM_001406683.1, NM_001406684.1 and 6 more transcripts); c.15C>A, p.Phe5Leu (NM_001406689.1, NM_001406690.1, NM_001406691.1 and 6 more transcripts); c.1212C>A, p.Phe404Leu (NM_001318829.2, NM_001406675.1, NM_001406676.1 and 1 more transcripts); c.1347C>A, p.Phe449Leu (NM_001406671.1, NM_001406673.1); and 3 more; short protein forms F299L, F416L, F434L, F449L, F453L, F5L, F253L, F404L.
Identifiers: ClinVar variation 4192167 (VCV004192167.1).
Genomic context (GRCh38, chr16:2,062,598, plus strand): 5'-CATCCACCCGGCCAAGGACGGCTGGATTCAGAACCTGCAGGCGCTGATGGAGAGATTCTT[C>A]AGGTAGGGGGTCCTCTGTAGCCTTGCCTGGCACCTGGAGCCTGGCCCTGTCTCTGTCTGG-3'
Protein context (NP_000539.2, residues 443-463): QNLQALMERF[Phe453Leu]RSESRGAVRI